The following is an entry in ClinVar:

ClinVar aggregate classification (germline): Likely benign (1 of 4 stars; one submission).

Allele frequency attached by ClinVar (database versions not stated): TOPMed 0.00013; gnomAD 0.00010; ESP Exome Variant Server 0.00008.
gnomAD v4.1: 206 of 1,592,860 alleles (0.013%); highest among the groups gnomAD compares: Non-Finnish European, 0.017%; no homozygotes.

Submission:

GeneDx
Classification: Likely benign. Last evaluated: 2017-10-03. Review status: criteria provided, single submitter. Criteria: GeneDx Variant Classification (06012015). Collection method: clinical testing. Allele origin: germline. Affected: yes.
Comment: This variant is considered likely benign or benign based on one or more of the following criteria: it is a conservative change, it occurs at a poorly conserved position in the protein, it is predicted to be benign by multiple in silico algorithms, and/or has population frequency not consistent with disease.

NM_001297732.2(COX18):c.174G>A (p.Leu58=)

Gene: COX18 (cytochrome c oxidase assembly factor COX18; minus strand). Cytogenetic location: 4q13.3.
Variant type: single nucleotide variant.
Coding change: c.174G>A on transcript NM_001297732.2 (MANE Select); coding-DNA position 174, G replaced by A.
Protein change: p.Leu58=; no amino-acid change (leucine 58 retained).
Molecular consequence: synonymous variant. On other transcripts: 5 prime UTR variant (1), nonsense (1).
Genome position (GRCh38, 1-based): chr4:73,069,476, C>T on the plus strand (G>A on the coding strand, the complement: COX18 is on the minus strand). VCF-style: chr4-73069476-C-T. GRCh37 (hg19) VCF-style: chr4-73935193-C-T.
Other names: c.-284G>A (NM_001297733.2); c.284G>A, p.Trp95Ter (NM_001300729.1); c.174G>A, p.Leu58= (NM_173827.4); short protein forms W95*.
Identifiers: ClinVar variation 512415 (VCV000512415.1), dbSNP rs377697467, ClinGen allele CA99644646.